The following is an entry in ClinVar:

ClinVar aggregate classification (germline): Uncertain significance (1 of 4 stars; one submission).

Conditions:
Familial cancer of breast. Also called: Hereditary breast cancer; hereditary breast carcinoma; BREAST CANCER, FAMILIAL. Identifiers: Orphanet 227535, MedGen C0346153, MONDO:0016419, OMIM 114480. Disease mechanism: loss of function.

Submission:

Labcorp Genetics (formerly Invitae), Labcorp
Classification: Uncertain significance for Familial cancer of breast. Last evaluated: 2019-12-31. Review status: criteria provided, single submitter. Criteria: Invitae Variant Classification Sherloc (09022015). Collection method: clinical testing. Allele origin: germline.
Comment: This sequence change replaces glutamic acid with lysine at codon 634 of the BARD1 protein (p.Glu634Lys). The glutamic acid residue is moderately conserved and there is a small physicochemical difference between glutamic acid and lysine. This variant is not present in population databases (ExAC no frequency). This variant has not been reported in the literature in individuals with BARD1-related conditions. Algorithms developed to predict the effect of missense changes on protein structure and function (SIFT, PolyPhen-2, Align-GVGD) all suggest that this variant is likely to be tolerated, but these predictions have not been confirmed by published functional studies and their clinical significance is uncertain. In summary, the available evidence is currently insufficient to determine the role of this variant in disease. Therefore, it has been classified as a Variant of Uncertain Significance.

NM_000465.4(BARD1):c.1900G>A (p.Glu634Lys)

Gene: BARD1 (BRCA1 associated RING domain 1; minus strand). Cytogenetic location: 2q35.
Variant type: single nucleotide variant.
Coding change: c.1900G>A on transcript NM_000465.4 (MANE Select); coding-DNA position 1900, G replaced by A.
Protein change: p.Glu634Lys; replaces glutamic acid 634 with lysine.
Molecular consequence: missense variant. On other transcripts: non-coding transcript variant (3), intron variant (1).
Genome position (GRCh38, 1-based): chr2:214,745,070, C>T on the plus strand (G>A on the coding strand, the complement: BARD1 is on the minus strand). VCF-style: chr2-214745070-C-T. GRCh37 (hg19) VCF-style: chr2-215609794-C-T.
Other names: c.1843G>A, p.Glu615Lys (NM_001282543.2); c.547G>A, p.Glu183Lys (NM_001282545.2); c.490G>A, p.Glu164Lys (NM_001282548.2); c.365-14562G>A (NM_001282549.2); short protein forms E634K, E164K, E183K, E615K.
Identifiers: ClinVar variation 855387 (VCV000855387.11), dbSNP rs761090896, ClinGen allele CA350452052.